The following is an entry in ClinVar:

NM_000271.5(NPC1):c.1728_1731delinsCATCA (p.Lys576fs)

Gene: NPC1 (NPC intracellular cholesterol transporter 1; minus strand). Cytogenetic location: 18q11.2.
Variant type: Indel.
Coding change: c.1728_1731delinsCATCA on transcript NM_000271.5 (MANE Select); coding-DNA positions 1728 to 1731, GCTC replaced by CATCA.
Protein change: p.Lys576fs; shifts the reading frame from lysine 576.
Molecular consequence: frameshift variant.
Genome position (GRCh38, 1-based): chr18:23,548,032-23,548,035, GAGC replaced by TGATG on the plus strand (GCTC replaced by CATCA on the coding strand, the reverse complement: NPC1 is on the minus strand). VCF-style: chr18-23548032-GAGC-TGATG. GRCh37 (hg19) VCF-style: chr18-21127996-GAGC-TGATG.
Other names: short protein forms K576fs.
Identifiers: ClinVar variation 5011703 (VCV005011703.1).
Genomic context (GRCh38, chr18:23,548,032, plus strand): 5'-AAGGACAGTCTGCTCACACCCATGAGTGACTCACTCTTTTTCCCAGGCCTGGGCCCTCTG[GAGC>TGATG]TTCTCTGTATCATTATAGTAATTATTGACAGGGAAGGTAATCACAAGGGCAGTGGCGTTA-3'

ClinVar aggregate classification (germline): Pathogenic (1 of 4 stars; one submission).

Conditions:
Niemann-Pick disease, type C1. Also called: NEUROVISCERAL STORAGE DISEASE WITH VERTICAL SUPRANUCLEAR OPHTHALMOPLEGIA; NIEMANN-PICK DISEASE WITH CHOLESTEROL ESTERIFICATION BLOCK; NIEMANN-PICK DISEASE WITHOUT SPHINGOMYELINASE DEFICIENCY; NIEMANN-PICK DISEASE, CHRONIC NEURONOPATHIC FORM; NIEMANN-PICK DISEASE, VARIANT TYPE C1. Identifiers: Orphanet 646, MedGen C3179455, MONDO:0009757, OMIM 257220.

Submission:

Myriad Genetics, Inc.
Classification: Pathogenic for Niemann-Pick disease, type C1. Last evaluated: 2023-09-21. Review status: criteria provided, single submitter. Criteria: Myriad Autosomal Dominant, Autosomal Recessive and X-Linked Classification Criteria (2023). Collection method: clinical testing. Allele origin: unknown.
Comment: NM_000271.4(NPC1):c.1728_1731del4ins5(K576Nfs*14) is expected to be pathogenic in the context of Niemann-Pick disease type C1. This variant is predicted to lead to an abnormal or absent protein product due to the creation of a premature termination codon in NPC1, a gene where loss-of-function variants are known to be pathogenic. Please note: this variant was assessed in the context of healthy population screening.